The following is an entry in ClinVar:

ClinVar aggregate classification (germline): Uncertain significance (1 of 4 stars; one submission).

Conditions:
Finnish congenital nephrotic syndrome (NPHS1). Also called: NEPHROTIC SYNDROME, TYPE 1. Identifiers: Orphanet 839, MedGen C0403399, MONDO:0009732, OMIM 256300.

Submission:

Baylor Genetics
Classification: Uncertain significance for Finnish congenital nephrotic syndrome. Last evaluated: 2019-11-13. Review status: criteria provided, single submitter. Criteria: ACMG Guidelines, 2015. Collection method: clinical testing. Allele origin: unknown. Affected: yes.
Comment: This variant was determined to be of uncertain significance according to ACMG Guidelines, 2015 [PMID:25741868].

NM_019109.5(ALG1):c.1061C>A (p.Pro354His)

Gene: ALG1 (ALG1 chitobiosyldiphosphodolichol beta-mannosyltransferase; plus strand). Cytogenetic location: 16p13.3.
Variant type: single nucleotide variant.
Coding change: c.1061C>A on transcript NM_019109.5 (MANE Select); coding-DNA position 1061, C replaced by A.
Protein change: p.Pro354His; replaces proline 354 with histidine.
Molecular consequence: missense variant.
Genome position (GRCh38, 1-based): chr16:5,081,045, C>A. VCF-style: chr16-5081045-C-A. GRCh37 (hg19) VCF-style: chr16-5131046-C-A.
Other names: c.728C>A, p.Pro243His (NM_001330504.2); short protein forms P243H, P354H.
Identifiers: ClinVar variation 1028631 (VCV001028631.1), dbSNP rs549910242, ClinGen allele CA7890181.